The following is an entry in ClinVar:

NM_030662.4(MAP2K2):c.705+11G>C

Gene: MAP2K2 (mitogen-activated protein kinase kinase 2; minus strand). Cytogenetic location: 19p13.3.
Variant type: single nucleotide variant.
Coding change: c.705+11G>C on transcript NM_030662.4 (MANE Select); 11 bases into the intron after coding-DNA position 705, G replaced by C.
Molecular consequence: intron variant.
Genome position (GRCh38, 1-based): chr19:4,101,008, C>G on the plus strand (G>C on the coding strand, the complement: MAP2K2 is on the minus strand). VCF-style: chr19-4101008-C-G. GRCh37 (hg19) VCF-style: chr19-4101006-C-G.
Identifiers: ClinVar variation 138160 (VCV000138160.41), dbSNP rs202086678, ClinGen allele CA181312.

ClinVar aggregate classification (germline): Benign/Likely benign. Review status: criteria provided, multiple submitters, no conflicts (2 of 4 stars). 8 submissions from 8 submitters: Benign (7); Likely benign (1). Last evaluated 2026-02-03.

Conditions:
Cardiofaciocutaneous syndrome 4 (CFC4). Also called: MAP2K2-Related Cardiofaciocutaneous Syndrome. Identifiers: Orphanet 1340, MedGen C3809007, MONDO:0014114, OMIM 615280.
RASopathy. Also called: Noonan spectrum disorder; rasopathies. Identifiers: Orphanet 536391, MedGen C5555857, MONDO:0021060.

Allele frequency attached by ClinVar (database versions not stated): 1000 Genomes Project 0.00260; ESP Exome Variant Server 0.00334; 1000 Genomes Project 30x 0.00359; TOPMed 0.00407.
gnomAD v4.1: 952 of 1,552,958 alleles (0.061%); highest among the groups gnomAD compares: African/African-American, 1.2%; 2 homozygotes.

Submissions (8):

Labcorp Genetics (formerly Invitae), Labcorp
Classification: Benign for RASopathy. Last evaluated: 2026-02-03. Review status: criteria provided, single submitter. Criteria: Invitae Variant Classification Sherloc (09022015). Collection method: clinical testing. Allele origin: germline.

ARUP Laboratories, Molecular Genetics and Genomics, ARUP Laboratories
Classification: Benign for Cardiofaciocutaneous syndrome 4. Last evaluated: 2025-05-14. Review status: criteria provided, single submitter. Criteria: ARUP Molecular Germline Variant Investigation Process 2024. Collection method: clinical testing. Allele origin: germline.

Blueprint Genetics
Classification: Likely benign. Last evaluated: 2024-10-29. Review status: criteria provided, single submitter. Criteria: ACMG Guidelines, 2015. Collection method: clinical testing. Allele origin: germline.

CeGaT Center for Human Genetics Tuebingen
Classification: Benign. Last evaluated: 2023-02-01. Review status: criteria provided, single submitter. Criteria: CeGaT Center For Human Genetics Tuebingen Variant Classification Criteria Version 2. Collection method: clinical testing. Allele origin: germline. Affected: yes. Observed: 2 variant alleles.
Comment: MAP2K2: BS1, BS2

Women's Health and Genetics/Laboratory Corporation of America, LabCorp
Classification: Benign. Last evaluated: 2020-01-20. Review status: criteria provided, single submitter. Criteria: LabCorp Variant Classification Summary - May 2015. Collection method: clinical testing. Allele origin: germline.
Comment: Variant summary: MAP2K2 c.705+11G>C alters a non-conserved nucleotide located close to a canonical splice site and therefore could affect mRNA splicing, leading to a significantly altered protein sequence. 4/4 computational tools predict no significant impact on normal splicing. However, these predictions have yet to be confirmed by functional studies. The variant allele was found at a frequency of 0.0011 in 193108 control chromosomes, predominantly at a frequency of 0.012 within the African or African-American subpopulation in the gnomAD database, including 1 homozygotes. The observed variant frequency within African or African-American control individuals in the gnomAD database is approximately 4800 fold of the estimated maximal expected allele frequency for a pathogenic variant in MAP2K2 causing Noonan Syndrome and Related Conditions phenotype (2.5e-06), strongly suggesting that the variant is a benign polymorphism found primarily in populations of African or African-American origin. To our knowledge, no occurrence of c.705+11G>C in individuals affected with Noonan Syndrome and Related Conditions and no experimental evidence demonstrating its impact on protein function have been reported. No clinical diagnostic laboratories have submitted clinical-significance assessments for this variant to ClinVar after 2014. Based on the evidence outlined above, the variant was classified as benign.

GeneDx
Classification: Benign. Last evaluated: 2013-05-16. Review status: criteria provided, single submitter. Criteria: GeneDx Variant Classification (06012015). Collection method: clinical testing. Allele origin: germline. Affected: yes.
Comment: This variant is considered likely benign or benign based on one or more of the following criteria: it is a conservative change, it occurs at a poorly conserved position in the protein, it is predicted to be benign by multiple in silico algorithms, and/or has population frequency not consistent with disease.

Laboratory for Molecular Medicine, Mass General Brigham Personalized Medicine
Classification: Benign. Last evaluated: 2012-03-19. Review status: criteria provided, single submitter. Criteria: LMM Criteria. Collection method: clinical testing. Allele origin: germline. Observed: 3 variant alleles.
Comment: c.705+11G>C in Intron 06 of MEK2: This variant is not expected to have clinical significance because it is not located within the splice consensus sequence and has been identified in 1.0% (37/3692) of African American chromosomes from a bro ad population by the NHLBI Exome Sequencing Project (u/EVS;).

PreventionGenetics, part of Exact Sciences
Classification: Benign. Review status: criteria provided, single submitter. Criteria: ACMG Guidelines, 2015. Collection method: clinical testing. Allele origin: germline.